The following is an entry in ClinVar:

ClinVar aggregate classification (germline): Uncertain significance (1 of 4 stars; one submission).

Conditions:
Autosomal recessive ataxia, Beauce type. Also called: ATAXIA, RECESSIVE, OF BEAUCE; Spinocerebellar ataxia, autosomal recessive 8; SYNE1-Related Autosomal Recessive Cerebellar Ataxia; SYNE1 Deficiency. Identifiers: Orphanet 88644, MedGen C1853116, MONDO:0012549, OMIM 610743.
Emery-Dreifuss muscular dystrophy 4, autosomal dominant (EDMD4). Also called: EMERY-DREIFUSS MUSCULAR DYSTROPHY 4 WITH VARIABLE FEATURES. Identifiers: Orphanet 261, MedGen C2751807, MONDO:0013071, OMIM 612998.

Allele frequency attached by ClinVar (database versions not stated): gnomAD exomes below 0.00001 and 0.00001; ExAC 0.00001.
gnomAD v4.1: 4 of 1,613,860 alleles (0.00025%); highest among the groups gnomAD compares: South Asian, 0.0044%; no homozygotes.

Submission:

Labcorp Genetics (formerly Invitae), Labcorp
Classification: Uncertain significance for Emery-Dreifuss muscular dystrophy 4, autosomal dominant; Autosomal recessive ataxia, Beauce type. Last evaluated: 2024-02-23. Review status: criteria provided, single submitter. Criteria: Invitae Variant Classification Sherloc (09022015). Collection method: clinical testing. Allele origin: germline.
Comment: This sequence change replaces glutamine, which is neutral and polar, with lysine, which is basic and polar, at codon 7125 of the SYNE1 protein (p.Gln7125Lys). This variant is not present in population databases (gnomAD no frequency). This variant has not been reported in the literature in individuals affected with SYNE1-related conditions. ClinVar contains an entry for this variant (Variation ID: 1021142). An algorithm developed to predict the effect of missense changes on protein structure and function (PolyPhen-2) suggests that this variant is likely to be tolerated. In summary, the available evidence is currently insufficient to determine the role of this variant in disease. Therefore, it has been classified as a Variant of Uncertain Significance.

NM_182961.4(SYNE1):c.21586C>A (p.Gln7196Lys)

Genes: SYNE1 (spectrin repeat containing nuclear envelope protein 1; minus strand), LOC126859836 (MED14-independent group 3 enhancer GRCh37_chr6:152542272-152543471; plus strand). Cytogenetic location: 6q25.2.
Variant type: single nucleotide variant.
Coding change: c.21586C>A on transcript NM_182961.4 (MANE Select); coding-DNA position 21586, C replaced by A.
Protein change: p.Gln7196Lys; replaces glutamine 7196 with lysine.
Molecular consequence: missense variant.
Genome position (GRCh38, 1-based): chr6:152,221,496, G>T on the plus strand (C>A on the coding strand, the complement: SYNE1 is on the minus strand). VCF-style: chr6-152221496-G-T. GRCh37 (hg19) VCF-style: chr6-152542631-G-T.
Other names: c.21373C>A, p.Gln7125Lys (NM_033071.5); short protein forms Q7125K, Q7196K.
Identifiers: ClinVar variation 1021142 (VCV001021142.9), dbSNP rs780059512, ClinGen allele CA4054105.
Genomic context (GRCh38, chr6:152,221,496, plus strand): 5'-CTTCTTTCAGTGTATTGGTAAGAGTTTCTGTCACGGGTGGGTGACACTCTTTTAATAATT[G>T]GTTGGTGATAGAGCCAAATTTCTGTAAGCTCCTTTCCTGTTTTTCCAGATCATCTTGGAG-3'
Protein context (NP_892006.3, residues 7186-7206): SLQKFGSITN[Gln7196Lys]LLKECHPPVT